The following is an entry in ClinVar:

ClinVar aggregate classification (germline): Uncertain significance (1 of 4 stars; one submission).

gnomAD v4.1: 1 of 1,612,392 alleles (0.000062%); no homozygotes.

Submission:

CeGaT Center for Human Genetics Tuebingen
Classification: Uncertain significance. Last evaluated: 2024-07-01. Review status: criteria provided, single submitter. Criteria: CeGaT Center For Human Genetics Tuebingen Variant Classification Criteria Version 2. Collection method: clinical testing. Allele origin: germline. Affected: yes. Observed: 1 variant allele.
Comment: EP400: PM2, PP3

NM_015409.5(EP400):c.5947T>C (p.Tyr1983His)

Gene: EP400 (E1A binding protein p400; plus strand). Cytogenetic location: 12q24.33.
Variant type: single nucleotide variant.
Coding change: c.5947T>C on transcript NM_015409.5 (MANE Select); coding-DNA position 5947, T replaced by C.
Protein change: p.Tyr1983His; replaces tyrosine 1983 with histidine.
Molecular consequence: missense variant.
Genome position (GRCh38, 1-based): chr12:132,032,145, T>C. VCF-style: chr12-132032145-T-C. GRCh37 (hg19) VCF-style: chr12-132516690-T-C.
Other names: short protein forms Y1983H.
Identifiers: ClinVar variation 3257537 (VCV003257537.17).